The following is an entry in ClinVar:

NM_020442.6(VARS2):c.801G>A (p.Ala267=)

Gene: VARS2 (valyl-tRNA synthetase 2, mitochondrial; plus strand). Cytogenetic location: 6p21.33.
Variant type: single nucleotide variant.
Coding change: c.801G>A on transcript NM_020442.6 (MANE Select); coding-DNA position 801, G replaced by A.
Protein change: p.Ala267=; no amino-acid change (alanine 267 retained).
Molecular consequence: synonymous variant.
Genome position (GRCh38, 1-based): chr6:30,917,152, G>A. VCF-style: chr6-30917152-G-A. GRCh37 (hg19) VCF-style: chr6-30884929-G-A.
Other names: p.Ala297=; c.891G>A (NM_001167734.1); c.381G>A, p.Ala127= (NM_001167733.3); c.891G>A, p.Ala297= (NM_001167734.2).
Identifiers: ClinVar variation 2074406 (VCV002074406.7), dbSNP rs145055169, ClinGen allele CA3705737.
Genomic context (GRCh38, chr6:30,917,152, plus strand): 5'-CAGGTCATTCCAGGGCTCCTCAGTGGCTGTGACTGAAGCTTTTGTGCGGCTCTACAAGGC[G>A]GGGTTGCTGTACCGGAACCATCAGCTTGTCAACTGGTCATGTGCTTTAAGATCAGCCATC-3'
Protein context (NP_065175.4, residues 257-277): VTEAFVRLYK[Ala267=]GLLYRNHQLV

ClinVar aggregate classification (germline): Conflicting classifications of pathogenicity. Review status: criteria provided, conflicting classifications (1 of 4 stars). 3 submissions from 3 submitters: Uncertain significance (2); Likely benign (1). Last evaluated 2026-07-30.

Allele frequency attached by ClinVar (database versions not stated): ExAC 0.00028; TOPMed 0.00034; gnomAD exomes 0.00010; ESP Exome Variant Server 0.00012; gnomAD 0.00026.

Submissions (3):

GeneDx
Classification: Uncertain significance. Last evaluated: 2026-07-30. Review status: criteria provided, single submitter. Criteria: GeneDx Variant Classification Process June 2021. Collection method: clinical testing. Allele origin: germline.
Comment: In silico analysis supports a deleterious effect on splicing; Has not been previously published as pathogenic or benign to our knowledge

Mayo Clinic Laboratories, Mayo Clinic
Classification: Uncertain significance. Last evaluated: 2023-08-16. Review status: criteria provided, single submitter. Criteria: ACMG Guidelines, 2015. Collection method: clinical testing. Allele origin: germline. Observed: 1 variant allele.

Labcorp Genetics (formerly Invitae), Labcorp
Classification: Likely benign. Last evaluated: 2023-06-22. Review status: criteria provided, single submitter. Criteria: Invitae Variant Classification Sherloc (09022015). Collection method: clinical testing. Allele origin: germline.